The following is an entry in ClinVar:

ClinVar aggregate classification (germline): Uncertain significance. Review status: criteria provided, multiple submitters, no conflicts (2 of 4 stars). 2 submissions from 2 submitters: Uncertain significance (2). Last evaluated 2025-10-01.

Conditions:
Hypertrophic cardiomyopathy 19. Also called: Familial hypertrophic cardiomyopathy 19. Identifiers: MedGen CN077603, MONDO:0013476.

Allele frequency attached by ClinVar (database versions not stated): gnomAD 0.00001; ExAC 0.00002; gnomAD exomes 0.00002; TOPMed 0.00002.
gnomAD v4.1: 29 of 1,613,982 alleles (0.0018%); highest among the groups gnomAD compares: Admixed American, 0.005%; no homozygotes.

Submissions (2):

Labcorp Genetics (formerly Invitae), Labcorp
Classification: Uncertain significance for Hypertrophic cardiomyopathy 19. Last evaluated: 2025-10-01. Review status: criteria provided, single submitter. Criteria: Invitae Variant Classification Sherloc (09022015). Collection method: clinical testing. Allele origin: germline.
Comment: This sequence change replaces arginine, which is basic and polar, with cysteine, which is neutral and slightly polar, at codon 80 of the CALR3 protein (p.Arg80Cys). This variant is present in population databases (rs756445681, gnomAD 0.006%). This variant has not been reported in the literature in individuals affected with CALR3-related conditions. ClinVar contains an entry for this variant (Variation ID: 2082535). Invitae Evidence Modeling of protein sequence and biophysical properties (such as structural, functional, and spatial information, amino acid conservation, physicochemical variation, residue mobility, and thermodynamic stability) indicates that this missense variant is not expected to disrupt CALR3 protein function with a negative predictive value of 80%. In summary, the available evidence is currently insufficient to determine the role of this variant in disease. Therefore, it has been classified as a Variant of Uncertain Significance.

Ambry Genetics
Classification: Uncertain significance. Last evaluated: 2025-09-28. Review status: criteria provided, single submitter. Criteria: Ambry Variant Classification Scheme 2023. Collection method: clinical testing. Allele origin: germline.

NM_145046.5(CALR3):c.238C>T (p.Arg80Cys)

Gene: CALR3 (calreticulin 3; minus strand). Cytogenetic location: 19p13.11.
Variant type: single nucleotide variant.
Coding change: c.238C>T on transcript NM_145046.5 (MANE Select); coding-DNA position 238, C replaced by T.
Protein change: p.Arg80Cys; replaces arginine 80 with cysteine.
Molecular consequence: missense variant.
Genome position (GRCh38, 1-based): chr19:16,490,526, G>A on the plus strand (C>T on the coding strand, the complement: CALR3 is on the minus strand). VCF-style: chr19-16490526-G-A. GRCh37 (hg19) VCF-style: chr19-16601337-G-A.
Other names: c.238C>T (NM_145046.3); short protein forms R80C.
Identifiers: ClinVar variation 2082535 (VCV002082535.5), dbSNP rs756445681, ClinGen allele CA9278461.